The following is an entry in ClinVar:

ClinVar aggregate classification (germline): Uncertain significance. Review status: criteria provided, multiple submitters, no conflicts (2 of 4 stars). 2 submissions from 2 submitters: Uncertain significance (2). Last evaluated 2019-10-19.

Conditions:
Hereditary cancer-predisposing syndrome. Also called: Tumor predisposition; Hereditary Cancer Syndrome; Neoplastic Syndromes, Hereditary; Hereditary neoplastic syndrome. Identifiers: Orphanet 140162, MedGen C0027672, MeSH D009386, MONDO:0015356.
Ataxia-telangiectasia syndrome (AT). Also called: Cerebello-oculocutaneous telangiectasia; Immunodeficiency with ataxia telangiectasia; Ataxia-telangiectasia, complementation group D; AT, COMPLEMENTATION GROUP C; Ataxia-telangiectasia, complementation group E; LOUIS-BAR SYNDROME. Identifiers: Orphanet 100, MedGen C0004135, MONDO:0008840, OMIM 208900.

Submissions (2):

Labcorp Genetics (formerly Invitae), Labcorp
Classification: Uncertain significance for Ataxia-telangiectasia syndrome. Last evaluated: 2019-10-19. Review status: criteria provided, single submitter. Criteria: Invitae Variant Classification Sherloc (09022015). Collection method: clinical testing. Allele origin: germline.
Comment: This sequence change replaces isoleucine with threonine at codon 1337 of the ATM protein (p.Ile1337Thr). The isoleucine residue is weakly conserved and there is a moderate physicochemical difference between isoleucine and threonine. This variant is not present in population databases (ExAC no frequency) and has not been reported in the literature in individuals with an ATM-related disease. Algorithms developed to predict the effect of missense changes on protein structure and function (SIFT, PolyPhen-2, Align-GVGD) all suggest that this variant is likely to be tolerated, but these predictions have not been confirmed by published functional studies. In summary, this variant is a novel missense change that is not predicted to affect protein function. There is no indication that it causes disease, but the available evidence is currently insufficient to prove that conclusively. Therefore, it has been classified as a Variant of Uncertain Significance.

Ambry Genetics
Classification: Uncertain significance for Hereditary cancer-predisposing syndrome. Last evaluated: 2019-03-19. Review status: criteria provided, single submitter. Criteria: Ambry Variant Classification Scheme 2023. Collection method: clinical testing. Allele origin: germline.
Comment: The p.I1337T variant (also known as c.4010T>C), located in coding exon 26 of the ATM gene, results from a T to C substitution at nucleotide position 4010. The isoleucine at codon 1337 is replaced by threonine, an amino acid with similar properties. This amino acid position is not well conserved in available vertebrate species. In addition, this alteration is predicted to be tolerated by in silico analysis. Since supporting evidence is limited at this time, the clinical significance of this alteration remains unclear.

NM_000051.4(ATM):c.4010T>C (p.Ile1337Thr)

Gene: ATM (ATM serine/threonine kinase; plus strand). Cytogenetic location: 11q22.3.
Variant type: single nucleotide variant.
Coding change: c.4010T>C on transcript NM_000051.4 (MANE Select); coding-DNA position 4010, T replaced by C.
Protein change: p.Ile1337Thr; replaces isoleucine 1337 with threonine.
Molecular consequence: missense variant.
Genome position (GRCh38, 1-based): chr11:108,287,616, T>C. VCF-style: chr11-108287616-T-C. GRCh37 (hg19) VCF-style: chr11-108158343-T-C.
Other names: c.4010T>C, p.Ile1337Thr (NM_001351834.2); short protein forms I1337T.
Identifiers: ClinVar variation 453498 (VCV000453498.15), dbSNP rs1060501660, ClinGen allele CA382527549.
Genomic context (GRCh38, chr11:108,287,616, plus strand): 5'-CAGATATAAAATATTAAATATATTTTAATTTTGTGCCCTTGCAGATTGATCACTTATTCA[T>C]TAGTAATTTACCAGAGATTGTGGTGGAGTTATTGATGACGTTACATGAGCCAGCAAATTC-3'
Protein context (NP_000042.3, residues 1327-1347): LLGKQIDHLF[Ile1337Thr]SNLPEIVVEL